The following is an entry in ClinVar:

NM_001001563.5(TIMM50):c.35G>C (p.Arg12Pro)

Gene: TIMM50 (translocase of inner mitochondrial membrane 50; plus strand). Cytogenetic location: 19q13.2.
Variant type: single nucleotide variant.
Coding change: c.35G>C on transcript NM_001001563.5 (MANE Select); coding-DNA position 35, G replaced by C.
Protein change: p.Arg12Pro; replaces arginine 12 with proline.
Molecular consequence: missense variant. On other transcripts: 5 prime UTR variant (1).
Genome position (GRCh38, 1-based): chr19:39,480,888, G>C. VCF-style: chr19-39480888-G-C. GRCh37 (hg19) VCF-style: chr19-39971528-G-C.
Other names: c.-246G>C (NM_001329559.2); short protein forms R12P.
Identifiers: ClinVar variation 1430396 (VCV001430396.8), dbSNP rs200540450, ClinGen allele CA405785860.
Genomic context (GRCh38, chr19:39,480,888, plus strand): 5'-GCGGGGCCGCGTGGCGTCAGCGCAAGATGGCGGCCTCGGCAGCGGTGTTCTCGCGCTTGC[G>C]AAGCGGGCTCCGGCTCGGCTCGCGGGGACTGTGCACGAGGTTGGCGACGCCGCCCCGCCG-3'
Protein context (NP_001001563.2, residues 2-22): AASAAVFSRL[Arg12Pro]SGLRLGSRGL

ClinVar aggregate classification (germline): Uncertain significance (1 of 4 stars; one submission).

gnomAD v4.1: 1 of 1,599,194 alleles (0.000063%); highest among the groups gnomAD compares: Non-Finnish European, 0.000085%; no homozygotes.

Submission:

Labcorp Genetics (formerly Invitae), Labcorp
Classification: Uncertain significance. Last evaluated: 2023-04-14. Review status: criteria provided, single submitter. Criteria: Invitae Variant Classification Sherloc (09022015). Collection method: clinical testing. Allele origin: germline.
Comment: In summary, the available evidence is currently insufficient to determine the role of this variant in disease. Therefore, it has been classified as a Variant of Uncertain Significance. An algorithm developed to predict the effect of missense changes on protein structure and function (PolyPhen-2) suggests that this variant is likely to be disruptive. ClinVar contains an entry for this variant (Variation ID: 1430396). This variant has not been reported in the literature in individuals affected with TIMM50-related conditions. This variant is present in population databases (no rsID available, gnomAD 0.001%). This sequence change replaces arginine, which is basic and polar, with proline, which is neutral and non-polar, at codon 115 of the TIMM50 protein (p.Arg115Pro).